The following is an entry in ClinVar:

NM_001353694.2(TIAM1):c.4158C>T (p.Phe1386=)

Gene: TIAM1 (TIAM Rac1 associated GEF 1; minus strand). Cytogenetic location: 21q22.11.
Variant type: single nucleotide variant.
Coding change: c.4158C>T on transcript NM_001353694.2 (MANE Select); coding-DNA position 4158, C replaced by T.
Protein change: p.Phe1386=; no amino-acid change (phenylalanine 1386 retained).
Molecular consequence: synonymous variant.
Genome position (GRCh38, 1-based): chr21:31,124,670, G>A on the plus strand (C>T on the coding strand, the complement: TIAM1 is on the minus strand). VCF-style: chr21-31124670-G-A. GRCh37 (hg19) VCF-style: chr21-32496988-G-A.
Other names: c.1257C>T, p.Phe419= (NM_001353684.2); c.1182C>T, p.Phe394= (NM_001353685.2); c.4083C>T, p.Phe1361= (NM_001353686.2, NM_001353687.2); c.4158C>T, p.Phe1386= (NM_001353688.1, NM_001353689.1, NM_001353690.1 and 4 more transcripts).
Identifiers: ClinVar variation 4823579 (VCV004823579.4).

ClinVar aggregate classification (germline): Likely benign (1 of 4 stars; one submission).

Submission:

CeGaT Center for Human Genetics Tuebingen
Classification: Likely benign. Last evaluated: 2026-03-01. Review status: criteria provided, single submitter. Criteria: CeGaT Center For Human Genetics Tuebingen Variant Classification Criteria Version 2. Collection method: clinical testing. Allele origin: germline. Affected: yes. Observed: 1 variant allele.
Comment: TIAM1: PM2:Supporting, BP4, BP7